The following is an entry in ClinVar:

ClinVar aggregate classification (germline): Conflicting classifications of pathogenicity. Review status: criteria provided, conflicting classifications (1 of 4 stars). 4 submissions from 4 submitters: Uncertain significance (2); Likely benign (2). Last evaluated 2024-11-07.

Conditions:
Charcot-Marie-Tooth disease dominant intermediate B (CMTDIB). Also called: Charcot-Marie-Tooth disease dominant intermediate 1; CMT DI1; Charcot-Marie-Tooth disease dominant intermediate I; CHARCOT-MARIE-TOOTH NEUROPATHY, DOMINANT INTERMEDIATE B. Identifiers: Orphanet 100044, Orphanet 228179, MedGen C1847902, MONDO:0011674, OMIM 606482.
Inborn genetic diseases. Identifiers: MedGen C0950123, MeSH D030342.
Centronuclear myopathy (CNM). Also called: Myotubular myopathy; Centronuclear myopathy, congenital. Identifiers: Orphanet 595, MedGen C0175709, MONDO:0018947. Inheritance: All.

Allele frequency attached by ClinVar (database versions not stated): gnomAD 0.00006; TOPMed 0.00007.

Submissions (4):

Labcorp Genetics (formerly Invitae), Labcorp
Classification: Likely benign for Charcot-Marie-Tooth disease dominant intermediate B. Last evaluated: 2024-11-07. Review status: criteria provided, single submitter. Criteria: Invitae Variant Classification Sherloc (09022015). Collection method: clinical testing. Allele origin: germline.

GeneDx
Classification: Uncertain significance. Last evaluated: 2022-02-28. Review status: criteria provided, single submitter. Criteria: GeneDx Variant Classification Process June 2021. Collection method: clinical testing. Allele origin: germline. Affected: yes.
Comment: In silico analysis, which includes splice predictors and evolutionary conservation, suggests this variant may impact gene splicing. In the absence of RNA/functional studies, the actual effect of this sequence change is unknown.; Has not been previously published as pathogenic or benign to our knowledge

Ambry Genetics
Classification: Likely benign for Inborn genetic diseases. Last evaluated: 2019-07-11. Review status: criteria provided, single submitter. Criteria: Ambry Variant Classification Scheme 2023. Collection method: clinical testing. Allele origin: germline.

Genetic Services Laboratory, University of Chicago
Classification: Uncertain significance for Myopathy, centronuclear. Last evaluated: 2013-02-08. Review status: criteria provided, single submitter. Criteria: ACMG Guidelines, 2007. Collection method: clinical testing. Allele origin: germline. Inheritance: Autosomal dominant inheritance.

NM_001005361.3(DNM2):c.2106G>C (p.Ser702=)

Gene: DNM2 (dynamin 2; plus strand). Cytogenetic location: 19p13.2.
Variant type: single nucleotide variant.
Coding change: c.2106G>C on transcript NM_001005361.3 (MANE Select); coding-DNA position 2106, G replaced by C.
Protein change: p.Ser702=; no amino-acid change (serine 702 retained).
Molecular consequence: synonymous variant.
Genome position (GRCh38, 1-based): chr19:10,829,083, G>C. VCF-style: chr19-10829083-G-C. GRCh37 (hg19) VCF-style: chr19-10939759-G-C.
Other names: c.2106G>C, p.Ser702= (NM_001005360.3, NM_001190716.2); c.2094G>C, p.Ser698= (NM_001005362.3, NM_004945.4).
Identifiers: ClinVar variation 158522 (VCV000158522.17), dbSNP rs554971107, ClinGen allele CA172119.
Genomic context (GRCh38, chr19:10,829,083, plus strand): 5'-CCCCTGCCCGCAGACGAAGGCCTTCATCCACCACGAGCTGCTGGCCTACCTATACTCCTC[G>C]GCAGACCAGAGCAGCCTCATGGAGGAGTCGGCTGACCAGGCACAGCGGCGGGACGACATG-3'
Protein context (NP_001005361.1, residues 692-712): HHELLAYLYS[Ser702=]ADQSSLMEES